The following is an entry in ClinVar:

NM_018706.7(DHTKD1):c.2113G>A (p.Gly705Arg)

Gene: DHTKD1 (dehydrogenase E1 and transketolase domain containing 1; plus strand). Cytogenetic location: 10p14.
Variant type: single nucleotide variant.
Coding change: c.2113G>A on transcript NM_018706.7 (MANE Select); coding-DNA position 2113, G replaced by A.
Protein change: p.Gly705Arg; replaces glycine 705 with arginine.
Molecular consequence: missense variant.
Genome position (GRCh38, 1-based): chr10:12,107,974, G>A. VCF-style: chr10-12107974-G-A. GRCh37 (hg19) VCF-style: chr10-12149973-G-A.
Other names: c.2113G>A (NM_018706.5); short protein forms G705R.
Identifiers: ClinVar variation 2145844 (VCV002145844.5), dbSNP rs549128233, ClinGen allele CA5408137.
Genomic context (GRCh38, chr10:12,107,974, plus strand): 5'-GCCAAGTGGCTCCTACAAAGCGGCATCGTCATCCTCCTTCCACATGGCTACGATGGGGCT[G>A]GGCCAGACCACTCATCCTGTCGAATAGAGCGTTTCCTGCAGGTAAGGGTAACGTCTTCCG-3'
Protein context (NP_061176.4, residues 695-715): ILLPHGYDGA[Gly705Arg]PDHSSCRIER

ClinVar aggregate classification (germline): Uncertain significance. Review status: criteria provided, multiple submitters, no conflicts (2 of 4 stars). 2 submissions from 2 submitters: Uncertain significance (2). Last evaluated 2025-04-14.

Conditions:
2-aminoadipic 2-oxoadipic aciduria (AAKAD). Also called: ALPHA-AMINOADIPIC AND ALPHA-KETOADIPIC ACIDURIA; Aminoadipic aciduria. Identifiers: Orphanet 79154, MedGen C1859817, MONDO:0008774, OMIM 204750.
Inborn genetic diseases. Identifiers: MedGen C0950123, MeSH D030342.

Allele frequency attached by ClinVar (database versions not stated): gnomAD 0.00001; gnomAD exomes 0.00001; TOPMed 0.00001; ExAC 0.00002; 1000 Genomes Project 30x 0.00016; 1000 Genomes Project 0.00020.
gnomAD v4.1: 21 of 1,613,928 alleles (0.0013%); highest among the groups gnomAD compares: South Asian, 0.02%; no homozygotes.

Submissions (2):

Labcorp Genetics (formerly Invitae), Labcorp
Classification: Uncertain significance for 2-aminoadipic 2-oxoadipic aciduria. Last evaluated: 2025-04-14. Review status: criteria provided, single submitter. Criteria: Invitae Variant Classification Sherloc (09022015). Collection method: clinical testing. Allele origin: germline.
Comment: This sequence change replaces glycine, which is neutral and non-polar, with arginine, which is basic and polar, at codon 705 of the DHTKD1 protein (p.Gly705Arg). This variant is present in population databases (rs549128233, gnomAD 0.02%). This variant has not been reported in the literature in individuals affected with DHTKD1-related conditions. ClinVar contains an entry for this variant (Variation ID: 2145844). Invitae Evidence Modeling of protein sequence and biophysical properties (such as structural, functional, and spatial information, amino acid conservation, physicochemical variation, residue mobility, and thermodynamic stability) indicates that this missense variant is expected to disrupt DHTKD1 protein function with a positive predictive value of 80%. In summary, the available evidence is currently insufficient to determine the role of this variant in disease. Therefore, it has been classified as a Variant of Uncertain Significance.

Ambry Genetics
Classification: Uncertain significance for Inborn genetic diseases. Last evaluated: 2024-03-25. Review status: criteria provided, single submitter. Criteria: Ambry Variant Classification Scheme 2023. Collection method: clinical testing. Allele origin: germline.